The following is an entry in ClinVar:

NM_001385012.1(NBEA):c.6871A>G (p.Arg2291Gly)

Gene: NBEA (neurobeachin; plus strand). Cytogenetic location: 13q13.3.
Variant type: single nucleotide variant.
Coding change: c.6871A>G on transcript NM_001385012.1 (MANE Select); coding-DNA position 6871, A replaced by G.
Protein change: p.Arg2291Gly; replaces arginine 2291 with glycine.
Molecular consequence: missense variant.
Genome position (GRCh38, 1-based): chr13:35,555,051, A>G. VCF-style: chr13-35555051-A-G. GRCh37 (hg19) VCF-style: chr13-36129188-A-G.
Other names: c.250A>G, p.Arg84Gly (NM_001204197.3); c.6862A>G, p.Arg2288Gly (NM_001379245.1); c.6871A>G, p.Arg2291Gly (NM_015678.5); short protein forms R2288G, R2291G, R84G.
Identifiers: ClinVar variation 2287499 (VCV002287499.3), dbSNP rs2549722826, ClinGen allele CA387987376.

ClinVar aggregate classification (germline): Uncertain significance. Review status: criteria provided, multiple submitters, no conflicts (2 of 4 stars). 2 submissions from 2 submitters: Uncertain significance (2). Last evaluated 2024-01-02.

Conditions:
Inborn genetic diseases. Identifiers: MedGen C0950123, MeSH D030342.

Submissions (2):

GeneDx
Classification: Uncertain significance. Last evaluated: 2024-01-02. Review status: criteria provided, single submitter. Criteria: GeneDx Variant Classification Process June 2021. Collection method: clinical testing. Allele origin: germline. Affected: yes.
Comment: Not observed at significant frequency in large population cohorts (gnomAD); In silico analysis supports that this missense variant has a deleterious effect on protein structure/function; Has not been previously published as pathogenic or benign to our knowledge

Ambry Genetics
Classification: Uncertain significance for Inborn genetic diseases. Last evaluated: 2022-06-08. Review status: criteria provided, single submitter. Criteria: Ambry Variant Classification Scheme 2023. Collection method: clinical testing. Allele origin: germline.
Comment: The c.6871A>G (p.R2291G) alteration is located in exon 44 (coding exon 44) of the NBEA gene. This alteration results from an A to G substitution at nucleotide position 6871, causing the arginine (R) at amino acid position 2291 to be replaced by a glycine (G). This variant was not reported in population-based cohorts in the Genome Aggregation Database (gnomAD). This amino acid position is highly conserved in available vertebrate species. The in silico prediction for this alteration is inconclusive. Based on insufficient or conflicting evidence, the clinical significance of this alteration remains unclear.